The following is an entry in ClinVar:

NM_003070.5(SMARCA2):c.598G>A (p.Glu200Lys)

Gene: SMARCA2 (SWI/SNF related BAF chromatin remodeling complex subunit ATPase 2; plus strand). Cytogenetic location: 9p24.3.
Variant type: single nucleotide variant.
Coding change: c.598G>A on transcript NM_003070.5 (MANE Select); coding-DNA position 598, G replaced by A.
Protein change: p.Glu200Lys; replaces glutamic acid 200 with lysine.
Molecular consequence: missense variant.
Genome position (GRCh38, 1-based): chr9:2,039,708, G>A. VCF-style: chr9-2039708-G-A. GRCh37 (hg19) VCF-style: chr9-2039708-G-A.
Other names: c.598G>A, p.Glu200Lys (NM_001289396.2, NM_001289397.2, NM_139045.4); short protein forms E200K.
Identifiers: ClinVar variation 1750892 (VCV001750892.2), dbSNP rs767831539, ClinGen allele CA4962887.

ClinVar aggregate classification (germline): Uncertain significance (1 of 4 stars; one submission).

Conditions:
Inborn genetic diseases. Identifiers: MedGen C0950123, MeSH D030342.

Allele frequency attached by ClinVar (database versions not stated): gnomAD 0.00001; gnomAD exomes 0.00001; ExAC 0.00002; TOPMed 0.00003.
gnomAD v4.1: 15 of 1,613,788 alleles (0.00093%); highest among the groups gnomAD compares: East Asian, 0.0022%; no homozygotes.

Submission:

Ambry Genetics
Classification: Uncertain significance for Inborn genetic diseases. Last evaluated: 2018-03-28. Review status: criteria provided, single submitter. Criteria: Ambry Variant Classification Scheme 2023. Collection method: clinical testing. Allele origin: germline.
Comment: The p.E200K variant (also known as c.598G>A), located in coding exon 3 of the SMARCA2 gene, results from a G to A substitution at nucleotide position 598. The glutamic acid at codon 200 is replaced by lysine, an amino acid with similar properties. This amino acid position is well conserved in available vertebrate species. In addition, the in silico prediction for this alteration is inconclusive. Since supporting evidence is limited at this time, the clinical significance of this alteration remains unclear.